The following is an entry in ClinVar:

ClinVar aggregate classification (germline): Uncertain significance (0 of 4 stars; one submission).

Conditions:
PLXNA4-related disorder. Also called: PLXNA4-related condition.

Allele frequency attached by ClinVar (database versions not stated): gnomAD exomes 0.00001; ExAC 0.00003; TOPMed 0.00007; gnomAD 0.00009.

Submission:

PreventionGenetics, part of Exact Sciences
Classification: Uncertain significance for PLXNA4-related condition. Last evaluated: 2024-07-22. Review status: no assertion criteria provided. Collection method: clinical testing. Allele origin: germline.
Comment: The PLXNA4 c.2124C>G variant is predicted to result in the amino acid substitution p.Asp708Glu. To our knowledge, this variant has not been reported in the literature. This variant is reported in 0.033% of alleles in individuals of African descent in gnomAD. At this time, the clinical significance of this variant is uncertain due to the absence of conclusive functional and genetic evidence.

NM_020911.2(PLXNA4):c.2124C>G (p.Asp708Glu)

Gene: PLXNA4 (plexin A4; minus strand). Cytogenetic location: 7q32.3.
Variant type: single nucleotide variant.
Coding change: c.2124C>G on transcript NM_020911.2 (MANE Select); coding-DNA position 2124, C replaced by G.
Protein change: p.Asp708Glu; replaces aspartic acid 708 with glutamic acid.
Molecular consequence: missense variant.
Genome position (GRCh38, 1-based): chr7:132,211,117, G>C on the plus strand (C>G on the coding strand, the complement: PLXNA4 is on the minus strand). VCF-style: chr7-132211117-G-C. GRCh37 (hg19) VCF-style: chr7-131895876-G-C.
Other names: c.2124C>G, p.Asp708Glu (NM_001393897.1); short protein forms D708E.
Identifiers: ClinVar variation 2635045 (VCV002635045.3), dbSNP rs763987810, ClinGen allele CA4489887.